The following is an entry in ClinVar:

NM_000444.6(PHEX):c.1479dup (p.Ala494fs)

Genes: PHEX (phosphate regulating endopeptidase X-linked; plus strand), PHEX-AS1 (PHEX antisense RNA 1; minus strand). Cytogenetic location: Xp22.11.
Variant type: Duplication.
Coding change: c.1479dup on transcript NM_000444.6 (MANE Select); coding-DNA position 1479, one base duplicated (A; older notation c.1479dupA).
Protein change: p.Ala494fs; shifts the reading frame from alanine 494.
Molecular consequence: frameshift variant.
Genome position (GRCh38, 1-based): chrX:22,168,386, A duplicated; the last of 3 consecutive A bases (chrX:22,168,384-22,168,386); duplicating any one gives the same sequence. VCF-style (leftmost placement, unchanged base first): chrX-22168383-C-CA. GRCh37 (hg19) VCF-style: chrX-22186500-C-CA.
Other names: c.1479dup, p.Ala494fs (NM_001282754.2); short protein forms A494fs.
Identifiers: ClinVar variation 1687473 (VCV001687473.1), dbSNP rs2147118833, ClinGen allele CA2573158444.

ClinVar aggregate classification (germline): Likely pathogenic (1 of 4 stars; one submission).

Conditions:
Familial X-linked hypophosphatemic vitamin D refractory rickets (XLHRD). Also called: Hypophosphatemic Rickets, X-Linked Dominant; X-Linked Hypophosphatemia; HYPOPHOSPHATEMIC VITAMIN D-RESISTANT RICKETS; Hypophosphatemia, vitamin D-resistant rickets; Vitamin D-resistant rickets, X-linked. Identifiers: Orphanet 89936, MedGen C0733682, MONDO:0010619, OMIM 307800.

Submission:

3billion
Classification: Likely pathogenic for Familial X-linked hypophosphatemic vitamin D refractory rickets. Last evaluated: 2022-05-22. Review status: criteria provided, single submitter. Criteria: ACMG Guidelines, 2015. Collection method: clinical testing. Allele origin: germline. Affected: yes. Observed: 1 heterozygote.
Comment: The variant is not observed in the gnomAD v2.1.1 dataset. Frameshift: predicted to result in a loss or disruption of normal protein function through nonsense-mediated decay (NMD) or protein truncation. Multiple pathogenic variants are reported downstream of the variant. Therefore, this variant is classified as likely pathogenic according to the recommendation of ACMG/AMP guideline.